The following is an entry in ClinVar:

ClinVar aggregate classification (germline): Pathogenic (1 of 4 stars; one submission).

Submission:

GeneDx
Classification: Pathogenic. Last evaluated: 2015-03-20. Review status: criteria provided, single submitter. Criteria: GeneDx Variant Classification (06012015). Collection method: clinical testing. Allele origin: germline. Affected: yes.
Comment: The R600P variant has not been published as a pathogenic variant, nor has it been reported as a benignpolymorphism to our knowledge. The R600P variant was not observed in approximately 6,500 individualsof European and African American ancestry in the NHLBI Exome Sequencing Project, indicating it is nota common benign variant in these populations. The R600P variant is a non-conservative amino acidsubstitution, which is likely to impact secondary protein structure as these residues differ in polarity,charge, size and/or other properties. This substitution occurs at a position that is conserved across species.In silico analysis predicts this variant is probably damaging to the protein structure/function. A missensevariant in this residue (R600C) and missense variants in nearby residues (S590F, A594V) have beenreported in the Human Gene Mutation Database in association with ABCC6-related disorders (Stenson etal., 2014), supporting the functional importance of this region of the protein. Therefore, R600P isinterpreted as a pathogenic variant.

NM_001171.6(ABCC6):c.1799G>C (p.Arg600Pro)

Gene: ABCC6 (ATP binding cassette subfamily C member 6; minus strand). Cytogenetic location: 16p13.11.
Variant type: single nucleotide variant.
Coding change: c.1799G>C on transcript NM_001171.6 (MANE Select); coding-DNA position 1799, G replaced by C.
Protein change: p.Arg600Pro; replaces arginine 600 with proline.
Molecular consequence: missense variant. On other transcripts: non-coding transcript variant (1).
Genome position (GRCh38, 1-based): chr16:16,187,192, C>G on the plus strand (G>C on the coding strand, the complement: ABCC6 is on the minus strand). VCF-style: chr16-16187192-C-G. GRCh37 (hg19) VCF-style: chr16-16281049-C-G.
Other names: c.1457G>C, p.Arg486Pro (NM_001351800.1); short protein forms R600P, R486P.
Identifiers: ClinVar variation 379290 (VCV000379290.2), dbSNP rs761433545, ClinGen allele CA16607129.
Genomic context (GRCh38, chr16:16,187,192, plus strand): 5'-GAGGAACTTGAGTCTACGACACCAGGGTCAACTTCTTCCAGGCAGAGGAAGGTGACCAGA[C>G]GGTCAAAGGACACCCGGGCCTAGGAAAACCGAAGCCGCAGGTCACCCAGCAAGAAGAGCA-3'
Protein context (NP_001162.5, residues 590-610): SLVQARVSFD[Arg600Pro]LVTFLCLEEV